The following is an entry in ClinVar:

ClinVar aggregate classification (germline): Uncertain significance. Review status: criteria provided, multiple submitters, no conflicts (2 of 4 stars). 2 submissions from 2 submitters: Uncertain significance (2). Last evaluated 2026-05-21.

Conditions:
Hereditary cancer-predisposing syndrome. Also called: Hereditary Cancer Syndrome; Tumor predisposition; Hereditary neoplastic syndrome; Neoplastic Syndromes, Hereditary. Identifiers: Orphanet 140162, MedGen C0027672, MeSH D009386, MONDO:0015356.
Microcephaly, normal intelligence and immunodeficiency (NBS). Also called: SEEMANOVA SYNDROME II; IMMUNODEFICIENCY, MICROCEPHALY, AND CHROMOSOMAL INSTABILITY; Ataxia telangiectasia variant V1; Immunodeficiency, microcephaly with normal intelligence; BERLIN BREAKAGE SYNDROME; Nijmegen breakage syndrome. Identifiers: Orphanet 647, MedGen C0398791, MONDO:0009623, OMIM 251260.

Submissions (2):

Ambry Genetics
Classification: Uncertain significance for Hereditary cancer-predisposing syndrome. Last evaluated: 2026-05-21. Review status: criteria provided, single submitter. Criteria: Ambry Variant Classification Scheme 2023. Collection method: clinical testing. Allele origin: germline.
Comment: The p.E584D variant (also known as c.1752G>C), located in coding exon 11 of the NBN gene, results from a G to C substitution at nucleotide position 1752. The glutamic acid at codon 584 is replaced by aspartic acid, an amino acid with highly similar properties. This amino acid position is conserved. In addition, this alteration is predicted to be tolerated by in silico analysis. Based on the available evidence, the clinical significance of this variant remains unclear.

Labcorp Genetics (formerly Invitae), Labcorp
Classification: Uncertain significance for Microcephaly, normal intelligence and immunodeficiency. Last evaluated: 2023-07-13. Review status: criteria provided, single submitter. Criteria: Invitae Variant Classification Sherloc (09022015). Collection method: clinical testing. Allele origin: germline.
Comment: ClinVar contains an entry for this variant (Variation ID: 461521). This sequence change replaces glutamic acid, which is acidic and polar, with aspartic acid, which is acidic and polar, at codon 584 of the NBN protein (p.Glu584Asp). This variant is not present in population databases (gnomAD no frequency). This variant has not been reported in the literature in individuals affected with NBN-related conditions. An algorithm developed to predict the effect of missense changes on protein structure and function (PolyPhen-2) suggests that this variant is likely to be tolerated. In summary, the available evidence is currently insufficient to determine the role of this variant in disease. Therefore, it has been classified as a Variant of Uncertain Significance.

NM_002485.5(NBN):c.1752G>C (p.Glu584Asp)

Gene: NBN (nibrin; minus strand). Cytogenetic location: 8q21.3.
Variant type: single nucleotide variant.
Coding change: c.1752G>C on transcript NM_002485.5 (MANE Select); coding-DNA position 1752, G replaced by C.
Protein change: p.Glu584Asp; replaces glutamic acid 584 with aspartic acid.
Molecular consequence: missense variant.
Genome position (GRCh38, 1-based): chr8:89,953,337, C>G on the plus strand (G>C on the coding strand, the complement: NBN is on the minus strand). VCF-style: chr8-89953337-C-G. GRCh37 (hg19) VCF-style: chr8-90965565-C-G.
Other names: c.1506G>C, p.Glu502Asp (NM_001024688.3); short protein forms E584D, E502D.
Identifiers: ClinVar variation 461521 (VCV000461521.9), dbSNP rs1554558267, ClinGen allele CA371655171.
Genomic context (GRCh38, chr8:89,953,337, plus strand): 5'-ACTGAAAGTGTCATTTGTTTCTATATCCATCCTTGGCCTTTTTCTAACATTGACATCTTC[C>G]TCCTGTTTTTGAACTTTCACATCAATTTCTAACTCTGGTTTTGTGTCCTTGAATAACTGT-3'
Protein context (NP_002476.2, residues 574-594): LEIDVKVQKQ[Glu584Asp]EDVNVRKRPR